The following is an entry in ClinVar:

ClinVar aggregate classification (germline): Uncertain significance (1 of 4 stars; one submission).

Allele frequency attached by ClinVar (database versions not stated): TOPMed below 0.00001; ExAC 0.00002; gnomAD 0.00003; gnomAD exomes 0.00005; 1000 Genomes Project 30x 0.00031; 1000 Genomes Project 0.00040.
gnomAD v4.1: 35 of 1,613,622 alleles (0.0022%); highest among the groups gnomAD compares: East Asian, 0.078%; 1 homozygote.

Submission:

Labcorp Genetics (formerly Invitae), Labcorp
Classification: Uncertain significance. Last evaluated: 2024-01-11. Review status: criteria provided, single submitter. Criteria: Invitae Variant Classification Sherloc (09022015). Collection method: clinical testing. Allele origin: germline.
Comment: This sequence change falls in intron 15 of the ACAN gene. It does not directly change the encoded amino acid sequence of the ACAN protein. It affects a nucleotide within the consensus splice site. This variant is present in population databases (rs149260614, gnomAD 0.006%). This variant has not been reported in the literature in individuals affected with ACAN-related conditions. Variants that disrupt the consensus splice site are a relatively common cause of aberrant splicing (PMID: 17576681, 9536098). Algorithms developed to predict the effect of sequence changes on RNA splicing suggest that this variant is not likely to affect RNA splicing. In summary, the available evidence is currently insufficient to determine the role of this variant in disease. Therefore, it has been classified as a Variant of Uncertain Significance.

Literature cited by the submitters: PubMed 17576681; PubMed 9536098.

NM_001369268.1(ACAN):c.7302+3G>A

Gene: ACAN (aggrecan; plus strand). Cytogenetic location: 15q26.1.
Variant type: single nucleotide variant.
Coding change: c.7302+3G>A on transcript NM_001369268.1 (MANE Select); 3 bases into the intron after coding-DNA position 7302, G replaced by A.
Molecular consequence: intron variant.
Genome position (GRCh38, 1-based): chr15:88,872,088, G>A. VCF-style: chr15-88872088-G-A. GRCh37 (hg19) VCF-style: chr15-89415319-G-A.
Other names: c.7188+3G>A (NM_013227.4, NM_001411097.1); c.7074+3G>A (NM_001411096.1, NM_001135.4).
Identifiers: ClinVar variation 2889216 (VCV002889216.3), dbSNP rs149260614, ClinGen allele CA7720631.